The following is an entry in ClinVar:

NM_006267.5(RANBP2):c.1849A>G (p.Lys617Glu)

Gene: RANBP2 (RAN binding protein 2; plus strand). Cytogenetic location: 2q13.
Variant type: single nucleotide variant.
Coding change: c.1849A>G on transcript NM_006267.5 (MANE Select); coding-DNA position 1849, A replaced by G.
Protein change: p.Lys617Glu; replaces lysine 617 with glutamic acid.
Molecular consequence: missense variant.
Genome position (GRCh38, 1-based): chr2:108,753,091, A>G. VCF-style: chr2-108753091-A-G. GRCh37 (hg19) VCF-style: chr2-109369547-A-G.
Other names: c.1849A>G, p.Lys617Glu (NM_001415871.1, NM_001415873.1); c.1846A>G, p.Lys616Glu (NM_001415872.1); short protein forms K616E, K617E.
Identifiers: ClinVar variation 3901592 (VCV003901592.1).
Genomic context (GRCh38, chr2:108,753,091, plus strand): 5'-GAATACATAGGGAGAAGTGTTCATTATTGGAAGAAAGTTTTGCCATTGTTGAAGATAATA[A>G]AAAAGAAGAACAGTATTCCTGAACCTATTGATCCTCTGTTTAAACATTTTCATAGTGTAG-3'
Protein context (NP_006258.3, residues 607-627): KKVLPLLKII[Lys617Glu]KKNSIPEPID

ClinVar aggregate classification (germline): Uncertain significance (1 of 4 stars; one submission).

Submission:

GeneDx
Classification: Uncertain significance. Last evaluated: 2024-11-26. Review status: criteria provided, single submitter. Criteria: GeneDx Variant Classification Process June 2021. Collection method: clinical testing. Allele origin: germline. Affected: yes.
Comment: Not observed at significant frequency in large population cohorts (gnomAD); In silico analysis indicates that this missense variant does not alter protein structure/function; Has not been previously published as pathogenic or benign to our knowledge